The following is an entry in ClinVar:

ClinVar aggregate classification (germline): Uncertain significance (1 of 4 stars; one submission).

Conditions:
Cardiovascular phenotype. Identifiers: MedGen CN230736.

Submission:

Ambry Genetics
Classification: Uncertain significance for Cardiovascular phenotype. Last evaluated: 2026-05-14. Review status: criteria provided, single submitter. Criteria: Ambry Variant Classification Scheme 2023. Collection method: clinical testing. Allele origin: germline.
Comment: The p.D348N variant (also known as c.1042G>A), located in coding exon 8 of the ENG gene, results from a G to A substitution at nucleotide position 1042. The aspartic acid at codon 348 is replaced by asparagine, an amino acid with highly similar properties. This amino acid position is conserved. In addition, this alteration is predicted to be tolerated by in silico analysis. Based on the available evidence, the clinical significance of this variant remains unclear.

NM_001114753.3(ENG):c.1042G>A (p.Asp348Asn)

Gene: ENG (endoglin; minus strand). Cytogenetic location: 9q34.11.
Variant type: single nucleotide variant.
Coding change: c.1042G>A on transcript NM_001114753.3 (MANE Select); coding-DNA position 1042, G replaced by A.
Protein change: p.Asp348Asn; replaces aspartic acid 348 with asparagine.
Molecular consequence: missense variant.
Genome position (GRCh38, 1-based): chr9:127,824,396, C>T on the plus strand (G>A on the coding strand, the complement: ENG is on the minus strand). VCF-style: chr9-127824396-C-T. GRCh37 (hg19) VCF-style: chr9-130586675-C-T.
Other names: c.1042G>A, p.Asp348Asn (NM_000118.4, NM_001406715.1); c.496G>A, p.Asp166Asn (NM_001278138.2); short protein forms D166N, D348N.
Identifiers: ClinVar variation 4870470 (VCV004870470.1).